The following is an entry in ClinVar:

NM_001271.4(CHD2):c.720T>A (p.Thr240=)

Gene: CHD2 (chromodomain helicase DNA binding protein 2; plus strand). Cytogenetic location: 15q26.1.
Variant type: single nucleotide variant.
Coding change: c.720T>A on transcript NM_001271.4 (MANE Select); coding-DNA position 720, T replaced by A.
Protein change: p.Thr240=; no amino-acid change (threonine 240 retained).
Molecular consequence: synonymous variant.
Genome position (GRCh38, 1-based): chr15:92,941,849, T>A. VCF-style: chr15-92941849-T-A. GRCh37 (hg19) VCF-style: chr15-93485079-T-A.
Other names: c.720T>A, p.Thr240= (NM_001042572.3).
Identifiers: ClinVar variation 511534 (VCV000511534.10), dbSNP rs762283261, ClinGen allele CA7747617.

ClinVar aggregate classification (germline): Likely benign. Review status: criteria provided, multiple submitters, no conflicts (2 of 4 stars). 2 submissions from 2 submitters: Likely benign (2). Last evaluated 2025-03-30.

Conditions:
Developmental and epileptic encephalopathy 94 (DEE94). Also called: CHD2-Related Neurodevelopmental Disorders; Epileptic encephalopathy, childhood-onset. Identifiers: Orphanet 1942, Orphanet 2382, MedGen C3809278, MONDO:0014150, OMIM 615369.

Allele frequency attached by ClinVar (database versions not stated): ExAC 0.00001.
gnomAD v4.1: 6 of 1,613,184 alleles (0.00037%); highest among the groups gnomAD compares: Non-Finnish European, 0.00051%; no homozygotes.

Submissions (2):

Labcorp Genetics (formerly Invitae), Labcorp
Classification: Likely benign for Developmental and epileptic encephalopathy 94. Last evaluated: 2025-03-30. Review status: criteria provided, single submitter. Criteria: Invitae Variant Classification Sherloc (09022015). Collection method: clinical testing. Allele origin: germline.

GeneDx
Classification: Likely benign. Last evaluated: 2017-08-16. Review status: criteria provided, single submitter. Criteria: GeneDx Variant Classification (06012015). Collection method: clinical testing. Allele origin: germline. Affected: yes.
Comment: This variant is considered likely benign or benign based on one or more of the following criteria: it is a conservative change, it occurs at a poorly conserved position in the protein, it is predicted to be benign by multiple in silico algorithms, and/or has population frequency not consistent with disease.